The following is an entry in ClinVar:

NM_001122955.4(BSCL2):c.635T>C (p.Met212Thr)

Genes: BSCL2 (BSCL2 lipid droplet biogenesis associated, seipin; minus strand), HNRNPUL2-BSCL2 (HNRNPUL2-BSCL2 readthrough (NMD candidate); minus strand). Cytogenetic location: 11q12.3.
Variant type: single nucleotide variant.
Coding change: c.635T>C on transcript NM_001122955.4 (MANE Select); coding-DNA position 635, T replaced by C.
Protein change: p.Met212Thr; replaces methionine 212 with threonine.
Molecular consequence: missense variant. On other transcripts: non-coding transcript variant (1).
Genome position (GRCh38, 1-based): chr11:62,692,793, A>G on the plus strand (T>C on the coding strand, the complement: BSCL2 is on the minus strand). VCF-style: chr11-62692793-A-G. GRCh37 (hg19) VCF-style: chr11-62460265-A-G.
Other names: c.443T>C, p.Met148Thr (NM_001130702.2, NM_032667.6); c.635T>C, p.Met212Thr (NM_001386027.1, NM_001386028.1); short protein forms M148T, M212T.
Identifiers: ClinVar variation 3712676 (VCV003712676.2).
Genomic context (GRCh38, chr11:62,692,793, plus strand): 5'-AGGAGGCTAGAGAAGACCAGTGTGTCCAGCATCTGGAGCAGGTCTGAGCGGTAATGCAGC[A>G]TCACCTGCCGGGGGTGGGAAGCAGAGGCTGGGGACAGGTGCATGCCAGATCCCCATGACC-3'
Protein context (NP_001116427.1, residues 202-222): RIISTSSRSV[Met212Thr]LHYRSDLLQM

ClinVar aggregate classification (germline): Uncertain significance (1 of 4 stars; one submission).

Conditions:
Charcot-Marie-Tooth disease type 2. Also called: Charcot-Marie-Tooth type 2. Identifiers: Orphanet 64746, MedGen C0270914, MONDO:0018993.

Submission:

Labcorp Genetics (formerly Invitae), Labcorp
Classification: Uncertain significance for Charcot-Marie-Tooth disease type 2. Last evaluated: 2026-01-05. Review status: criteria provided, single submitter. Criteria: Invitae Variant Classification Sherloc (09022015). Collection method: clinical testing. Allele origin: germline.
Comment: This sequence change replaces methionine, which is neutral and non-polar, with threonine, which is neutral and polar, at codon 148 of the BSCL2 protein (p.Met148Thr). This variant is not present in population databases (gnomAD no frequency). This variant has not been reported in the literature in individuals affected with BSCL2-related conditions. ClinVar contains an entry for this variant (Variation ID: 3712676). Invitae Evidence Modeling of protein sequence and biophysical properties (such as structural, functional, and spatial information, amino acid conservation, physicochemical variation, residue mobility, and thermodynamic stability) indicates that this missense variant is expected to disrupt BSCL2 protein function with a positive predictive value of 80%. In summary, the available evidence is currently insufficient to determine the role of this variant in disease. Therefore, it has been classified as a Variant of Uncertain Significance.